The following is an entry in ClinVar:

NM_001148.6(ANK2):c.9245C>T (p.Thr3082Ile)

Gene: ANK2 (ankyrin 2; plus strand). Cytogenetic location: 4q26.
Variant type: single nucleotide variant.
Coding change: c.9245C>T on transcript NM_001148.6 (MANE Select); coding-DNA position 9245, C replaced by T.
Protein change: p.Thr3082Ile; replaces threonine 3082 with isoleucine.
Molecular consequence: missense variant. On other transcripts: intron variant (68).
Genome position (GRCh38, 1-based): chr4:113,357,863, C>T. VCF-style: chr4-113357863-C-T. GRCh37 (hg19) VCF-style: chr4-114279019-C-T.
Other names: c.9011C>T, p.Thr3004Ile (NM_001386142.1); c.5645C>T, p.Thr1882Ile (NM_001386166.1); c.9386C>T, p.Thr3129Ile (NM_001386174.1); c.9362C>T, p.Thr3121Ile (NM_001386175.1); c.4412-2960C>T (NM_001386186.2, NM_001386148.2); c.4214-2960C>T (NM_001354269.3); c.4292-2960C>T (NM_001386187.2); c.4253-2960C>T (NM_001386147.1); and 35 more; short protein forms T3082I, T1882I, T3004I, T3121I, T3129I.
Identifiers: ClinVar variation 684796 (VCV000684796.7), dbSNP rs770289485, ClinGen allele CA3051891.

ClinVar aggregate classification (germline): Uncertain significance. Review status: criteria provided, multiple submitters, no conflicts (2 of 4 stars). 3 submissions from 3 submitters: Uncertain significance (3). Last evaluated 2025-04-29.

Conditions:
Cardiovascular phenotype. Identifiers: MedGen CN230736.
Conduction disorder of the heart. Also called: Cardiac conduction defect. Identifiers: Orphanet 871, MedGen C0264886, MONDO:0100042, OMIM 115080.

Allele frequency attached by ClinVar (database versions not stated): gnomAD exomes below 0.00001; ExAC 0.00001.
gnomAD v4.1: 17 of 1,614,032 alleles (0.0011%); highest among the groups gnomAD compares: Middle Eastern, 0.016%; no homozygotes.

Submissions (3):

Women's Health and Genetics/Laboratory Corporation of America, LabCorp
Classification: Uncertain significance. Last evaluated: 2025-04-29. Review status: criteria provided, single submitter. Criteria: LabCorp Variant Classification Summary - May 2015. Collection method: clinical testing. Allele origin: germline.
Comment: Variant summary: ANK2 c.9245C>T (p.Thr3082Ile) results in a non-conservative amino acid change in the encoded protein sequence. Five of five in-silico tools predict a damaging effect of the variant on protein function. The variant allele was found at a frequency of 4e-06 in 250320 control chromosomes (gnomAD). The available data on variant occurrences in the general population are insufficient to allow any conclusion about variant significance. c.9245C>T has been observed as a VUS in an individual affected with unexplained cardiac arrest (Grondin_2022). This report does not provide unequivocal conclusions about association of the variant with Long QT Syndrome. To our knowledge, no experimental evidence demonstrating an impact on protein function has been reported. The following publication has been ascertained in the context of this evaluation (PMID: 35352813). ClinVar contains an entry for this variant (Variation ID: 684796). Based on the evidence outlined above, the variant was classified as uncertain significance.

Ambry Genetics
Classification: Uncertain significance for Cardiovascular phenotype. Last evaluated: 2024-01-03. Review status: criteria provided, single submitter. Criteria: Ambry Variant Classification Scheme 2023. Collection method: clinical testing. Allele origin: germline.

Molecular Diagnostic Laboratory for Inherited Cardiovascular Disease, Montreal Heart Institute
Classification: Uncertain significance for Conduction disorder of the heart. Review status: criteria provided, single submitter. Criteria: ACMG Guidelines, 2015. Collection method: clinical testing. Allele origin: germline. Affected: yes.

Literature cited by the submitters: PubMed 35352813 (cited by Women's Health and Genetics/Laboratory Corporation of America, LabCorp).